The following is an entry in ClinVar:

NM_182493.3(MYLK3):c.1742G>A (p.Ser581Asn)

Gene: MYLK3 (myosin light chain kinase 3; minus strand). Cytogenetic location: 16q11.2.
Variant type: single nucleotide variant.
Coding change: c.1742G>A on transcript NM_182493.3 (MANE Select); coding-DNA position 1742, G replaced by A.
Protein change: p.Ser581Asn; replaces serine 581 with asparagine.
Molecular consequence: missense variant.
Genome position (GRCh38, 1-based): chr16:46,729,054, C>T on the plus strand (G>A on the coding strand, the complement: MYLK3 is on the minus strand). VCF-style: chr16-46729054-C-T. GRCh37 (hg19) VCF-style: chr16-46762966-C-T.
Other names: c.719G>A, p.Ser240Asn (NM_001308301.1); short protein forms S240N, S581N.
Identifiers: ClinVar variation 2827507 (VCV002827507.3), dbSNP rs2548904350, ClinGen allele CA395790138.
Genomic context (GRCh38, chr16:46,729,054, plus strand): 5'-CGAGGCGGCCGCCCCGCCTCTGATACTCACTACTCCATGACAAGGGTGCAGCTGTGCTTG[C>T]TCTCGAAGGCGTCATAGAGCTGGATCAGGTTCACGTGGCTGAGCTGGTTCATGATGTTGA-3'
Protein context (NP_872299.2, residues 571-591): NLIQLYDAFE[Ser581Asn]KHSCTLVMEY

ClinVar aggregate classification (germline): Uncertain significance (1 of 4 stars; one submission).

Allele frequency attached by ClinVar (database versions not stated): gnomAD exomes below 0.00001.
gnomAD v4.1: 1 of 1,614,108 alleles (0.000062%); highest among the groups gnomAD compares: Non-Finnish European, 0.000085%; no homozygotes.

Submission:

Labcorp Genetics (formerly Invitae), Labcorp
Classification: Uncertain significance. Last evaluated: 2023-01-10. Review status: criteria provided, single submitter. Criteria: Invitae Variant Classification Sherloc (09022015). Collection method: clinical testing. Allele origin: germline.
Comment: Algorithms developed to predict the effect of missense changes on protein structure and function output the following: SIFT: "Tolerated"; PolyPhen-2: "Benign"; Align-GVGD: "Class C0". The asparagine amino acid residue is found in multiple mammalian species, which suggests that this missense change does not adversely affect protein function. This variant has not been reported in the literature in individuals affected with MYLK3-related conditions. This variant is not present in population databases (gnomAD no frequency). This sequence change replaces serine, which is neutral and polar, with asparagine, which is neutral and polar, at codon 581 of the MYLK3 protein (p.Ser581Asn). In summary, the available evidence is currently insufficient to determine the role of this variant in disease. Therefore, it has been classified as a Variant of Uncertain Significance.